The following is an entry in ClinVar:

NM_201384.3(PLEC):c.11554G>A (p.Asp3852Asn)

Gene: PLEC (plectin; minus strand). Cytogenetic location: 8q24.3.
Variant type: single nucleotide variant.
Coding change: c.11554G>A on transcript NM_201384.3 (MANE Select); coding-DNA position 11554, G replaced by A.
Protein change: p.Asp3852Asn; replaces aspartic acid 3852 with asparagine.
Molecular consequence: missense variant.
Genome position (GRCh38, 1-based): chr8:143,918,267, C>T on the plus strand (G>A on the coding strand, the complement: PLEC is on the minus strand). VCF-style: chr8-143918267-C-T. GRCh37 (hg19) VCF-style: chr8-144992435-C-T.
Other names: c.11635G>A (NM_000445.3, NM_000445.4); c.11635G>A, p.Asp3879Asn (NM_000445.5); c.11512G>A, p.Asp3838Asn (NM_201378.4); c.11488G>A, p.Asp3830Asn (NM_201379.3); c.11965G>A, p.Asp3989Asn (NM_201380.4); c.11458G>A, p.Asp3820Asn (NM_201381.3); c.11554G>A, p.Asp3852Asn (NM_201382.4); c.11566G>A, p.Asp3856Asn (NM_201383.3); short protein forms D3820N, D3838N, D3879N, D3852N, D3856N, D3989N, D3830N.
Identifiers: ClinVar variation 1367769 (VCV001367769.14), dbSNP rs879965060, ClinGen allele CA187607444.

ClinVar aggregate classification (germline): Uncertain significance. Review status: criteria provided, multiple submitters, no conflicts (2 of 4 stars). 4 submissions from 4 submitters: Uncertain significance (4). Last evaluated 2026-05-21.

Conditions:
PLEC-related disorder. Also called: PLEC-related condition; PLEC-related disorders.
Inborn genetic diseases. Identifiers: MedGen C0950123, MeSH D030342.
Autosomal recessive limb-girdle muscular dystrophy type 2Q (LGMDR17). Also called: MUSCULAR DYSTROPHY, LIMB-GIRDLE, AUTOSOMAL RECESSIVE 17. Identifiers: Orphanet 254361, MedGen C3150989, MONDO:0013390, OMIM 613723.
Epidermolysis bullosa simplex with nail dystrophy (EBS5D). Identifiers: MedGen C4225309, MONDO:0014661, OMIM 616487.
Epidermolysis bullosa simplex 5B, with muscular dystrophy (EBS5B). Also called: EPIDERMOLYSIS BULLOSA SIMPLEX AND LIMB-GIRDLE MUSCULAR DYSTROPHY; Epidermolysis bullosa simplex with muscular dystrophy. Identifiers: Orphanet 257, MedGen C2931072, MONDO:0009181, OMIM 226670.
Epidermolysis bullosa simplex, Ogna type (EBS5A). Also called: Pidermolysis bullosa simplex 5A, Ogna type; EPIDERMOLYSIS BULLOSA SIMPLEX 5A, OGNA TYPE. Identifiers: Orphanet 79401, MedGen C0432317, MONDO:0007555, OMIM 131950.
Epidermolysis bullosa simplex 5C, with pyloric atresia (EBS5C). Also called: PLEC1-Related Epidermolysis Bullosa with Pyloric Atresia; PLEC-Related Epidermolysis Bullosa with Pyloric Atresia; Epidermolysis bullosa simplex with pyloric atresia. Identifiers: Orphanet 158684, MedGen C2677349, MONDO:0012807, OMIM 612138.

Allele frequency attached by ClinVar (database versions not stated): gnomAD exomes 0.00001 and 0.00003; TOPMed 0.00003; gnomAD 0.00005.
gnomAD v4.1: 47 of 1,592,114 alleles (0.003%); highest among the groups gnomAD compares: East Asian, 0.013%; no homozygotes.

Submissions (4):

PreventionGenetics, part of Exact Sciences
Classification: Uncertain significance for PLEC-related condition. Last evaluated: 2026-05-21. Review status: criteria provided, single submitter. Criteria: ACMG Guidelines, 2015. Collection method: clinical testing. Allele origin: germline.
Comment: The PLEC c.11635G>A variant is predicted to result in the amino acid substitution p.Asp3879Asn. To our knowledge, this variant has not been reported in the literature. This variant is reported in 0.0054% of alleles in individuals of East Asian descent in gnomAD. At this time, the clinical significance of this variant is uncertain due to the absence of conclusive functional and genetic evidence.

Ambry Genetics
Classification: Uncertain significance for Inborn genetic diseases. Last evaluated: 2026-04-06. Review status: criteria provided, single submitter. Criteria: Ambry Variant Classification Scheme 2023. Collection method: clinical testing. Allele origin: germline.

Labcorp Genetics (formerly Invitae), Labcorp
Classification: Uncertain significance for Autosomal recessive limb-girdle muscular dystrophy type 2Q; Epidermolysis bullosa simplex, Ogna type; Epidermolysis bullosa simplex with nail dystrophy; Epidermolysis bullosa simplex 5C, with pyloric atresia; Epidermolysis bullosa simplex 5B, with muscular dystrophy. Last evaluated: 2025-08-19. Review status: criteria provided, single submitter. Criteria: Invitae Variant Classification Sherloc (09022015). Collection method: clinical testing. Allele origin: germline.
Comment: This sequence change replaces aspartic acid, which is acidic and polar, with asparagine, which is neutral and polar, at codon 3879 of the PLEC protein (p.Asp3879Asn). This variant is present in population databases (no rsID available, gnomAD 0.006%). This variant has not been reported in the literature in individuals affected with PLEC-related conditions. ClinVar contains an entry for this variant (Variation ID: 1367769). An algorithm developed to predict the effect of missense changes on protein structure and function (PolyPhen-2) suggests that this variant is likely to be disruptive. In summary, the available evidence is currently insufficient to determine the role of this variant in disease. Therefore, it has been classified as a Variant of Uncertain Significance.

Revvity Omics, Revvity
Classification: Uncertain significance. Last evaluated: 2019-06-14. Review status: criteria provided, single submitter. Criteria: ACMG Guidelines, 2015. Collection method: clinical testing. Allele origin: germline.